The following is an entry in ClinVar:

ClinVar aggregate classification (germline): Pathogenic (1 of 4 stars; one submission).

Conditions:
Capillary malformation-arteriovenous malformation syndrome. Also called: Capillary malformation-arteriovenous malformation. Identifiers: Orphanet 137667, MedGen C1842180, MONDO:0012016.

Submission:

Labcorp Genetics (formerly Invitae), Labcorp
Classification: Pathogenic for Capillary malformation-arteriovenous malformation syndrome. Last evaluated: 2024-08-01. Review status: criteria provided, single submitter. Criteria: Invitae Variant Classification Sherloc (09022015). Collection method: clinical testing. Allele origin: germline.
Comment: This sequence change creates a premature translational stop signal (p.Gln503*) in the RASA1 gene. It is expected to result in an absent or disrupted protein product. Loss-of-function variants in RASA1 are known to be pathogenic (PMID: 24038909). This variant is not present in population databases (gnomAD no frequency). This premature translational stop signal has been observed in individual(s) with arteriovenous malformations (PMID: 23158644). Algorithms developed to predict the effect of sequence changes on RNA splicing suggest that this variant may disrupt the consensus splice site. For these reasons, this variant has been classified as Pathogenic.

Literature cited by the submitters: PubMed 24038909; PubMed 23158644.

NM_002890.3(RASA1):c.1507C>T (p.Gln503Ter)

Genes: CCNH (cyclin H; minus strand), RASA1 (RAS p21 protein activator 1; plus strand). Cytogenetic location: 5q14.3.
Variant type: single nucleotide variant.
Coding change: c.1507C>T on transcript NM_002890.3 (MANE Select); coding-DNA position 1507, C replaced by T.
Protein change: p.Gln503Ter; replaces glutamine 503 with a stop codon.
Molecular consequence: nonsense. On other transcripts: intron variant (1).
Genome position (GRCh38, 1-based): chr5:87,363,401, C>T. VCF-style: chr5-87363401-C-T. GRCh37 (hg19) VCF-style: chr5-86659218-C-T.
Other names: c.976C>T, p.Gln326Ter (NM_022650.3); c.933+31643G>A (NM_001364075.2); short protein forms Q503*, Q326*.
Identifiers: ClinVar variation 3720629 (VCV003720629.2).